The following is an entry in ClinVar:

ClinVar aggregate classification (germline): Uncertain significance (1 of 4 stars; one submission).

Submission:

GeneDx
Classification: Uncertain significance. Last evaluated: 2026-03-19. Review status: criteria provided, single submitter. Criteria: GeneDx Variant Classification Process June 2021. Collection method: clinical testing. Allele origin: germline.
Comment: Not observed at significant frequency in large population cohorts (gnomAD); In silico analysis suggests that this missense variant does not alter protein structure/function; Has not been previously published as pathogenic or benign to our knowledge

NM_001394062.1(MACF1):c.4090G>A (p.Gly1364Ser)

Gene: MACF1 (microtubule actin crosslinking factor 1; plus strand). Cytogenetic location: 1p34.3.
Variant type: single nucleotide variant.
Coding change: c.4090G>A on transcript NM_001394062.1 (MANE Select); coding-DNA position 4090, G replaced by A.
Protein change: p.Gly1364Ser; replaces glycine 1364 with serine.
Molecular consequence: missense variant.
Genome position (GRCh38, 1-based): chr1:39,322,668, G>A. VCF-style: chr1-39322668-G-A. GRCh37 (hg19) VCF-style: chr1-39788340-G-A.
Other names: c.4105G>A, p.Gly1369Ser (NM_012090.5); short protein forms G1369S, G1364S.
Identifiers: ClinVar variation 5009480 (VCV005009480.1).
Genomic context (GRCh38, chr1:39,322,668, plus strand): 5'-GACTATGAATTGCAACTGATGACATACAAGGCCTTTGTGGAATCGCAGCAGAAATCCCCT[G>A]GCAAGCGCCGTCGCATGCTTTCCTCTTCAGATGCCATCACTCAAGAGGTGAGAGGGTGGG-3'
Protein context (NP_001380991.1, residues 1354-1374): AFVESQQKSP[Gly1364Ser]KRRRMLSSSD